The following is an entry in ClinVar:

NM_001298.3(CNGA3):c.509G>A (p.Arg170His)

Gene: CNGA3 (cyclic nucleotide gated channel subunit alpha 3; plus strand). Cytogenetic location: 2q11.2.
Variant type: single nucleotide variant.
Coding change: c.509G>A on transcript NM_001298.3 (MANE Select); coding-DNA position 509, G replaced by A.
Protein change: p.Arg170His; replaces arginine 170 with histidine.
Molecular consequence: missense variant.
Genome position (GRCh38, 1-based): chr2:98,389,717, G>A. VCF-style: chr2-98389717-G-A. GRCh37 (hg19) VCF-style: chr2-99006180-G-A.
Other names: c.455G>A, p.Arg152His (NM_001079878.2); short protein forms R152H, R170H.
Identifiers: ClinVar variation 2063822 (VCV002063822.3), dbSNP rs775155230, ClinGen allele CA1793778.
Genomic context (GRCh38, chr2:98,389,717, plus strand): 5'-GGAAGAAGACGAAAAAGAAGGATGCGATCGTGGTGGACCCGTCCAGCAACCTGTACTACC[G>A]CTGGCTGACCGCCATCGCCCTGCCTGTCTTCTATAACTGGTATCTGCTTATTTGCAGGTA-3'
Protein context (NP_001289.1, residues 160-180): VVDPSSNLYY[Arg170His]WLTAIALPVF

ClinVar aggregate classification (germline): Conflicting classifications of pathogenicity. Review status: criteria provided, conflicting classifications (1 of 4 stars). 2 submissions from 2 submitters: Uncertain significance (1); Likely benign (1). Last evaluated 2023-12-04.

Allele frequency attached by ClinVar (database versions not stated): gnomAD 0.00002; gnomAD exomes 0.00002; ExAC 0.00004; TOPMed 0.00005.
gnomAD v4.1: 33 of 1,613,616 alleles (0.002%); highest among the groups gnomAD compares: Admixed American, 0.027%; no homozygotes.

Submissions (2):

Blueprint Genetics
Classification: Likely benign. Last evaluated: 2023-12-04. Review status: criteria provided, single submitter. Criteria: ACMG Guidelines, 2015. Collection method: clinical testing. Allele origin: germline.

Labcorp Genetics (formerly Invitae), Labcorp
Classification: Uncertain significance. Last evaluated: 2022-05-06. Review status: criteria provided, single submitter. Criteria: Invitae Variant Classification Sherloc (09022015). Collection method: clinical testing. Allele origin: germline.
Comment: This sequence change replaces arginine, which is basic and polar, with histidine, which is basic and polar, at codon 170 of the CNGA3 protein (p.Arg170His). This variant is present in population databases (rs775155230, gnomAD 0.03%). This variant has not been reported in the literature in individuals affected with CNGA3-related conditions. Advanced modeling of protein sequence and biophysical properties (such as structural, functional, and spatial information, amino acid conservation, physicochemical variation, residue mobility, and thermodynamic stability) performed at Invitae indicates that this missense variant is not expected to disrupt CNGA3 protein function. In summary, the available evidence is currently insufficient to determine the role of this variant in disease. Therefore, it has been classified as a Variant of Uncertain Significance.